The following is an entry in ClinVar:

ClinVar aggregate classification (germline): Pathogenic (1 of 4 stars; one submission).

Submission:

GeneDx
Classification: Pathogenic. Last evaluated: 2022-04-21. Review status: criteria provided, single submitter. Criteria: GeneDx Variant Classification Process June 2021. Collection method: clinical testing. Allele origin: germline. Affected: yes.
Comment: Frameshift variant predicted to result in protein truncation or nonsense mediated decay in a gene for which loss of function is a known mechanism of disease; Not observed at significant frequency in large population cohorts (gnomAD); This variant is associated with the following publications: (PMID: 17582161)

NM_001009944.3(PKD1):c.4109_4120delinsG (p.Tyr1370fs)

Gene: PKD1 (polycystin 1, transient receptor potential channel interacting; minus strand). Cytogenetic location: 16p13.3.
Variant type: Indel.
Coding change: c.4109_4120delinsG on transcript NM_001009944.3 (MANE Select); coding-DNA positions 4109 to 4120, ACTTCACCAGCA replaced by G.
Protein change: p.Tyr1370fs; shifts the reading frame from tyrosine 1370.
Molecular consequence: frameshift variant.
Genome position (GRCh38, 1-based): chr16:2,111,047-2,111,058, TGCTGGTGAAGT replaced by C on the plus strand (ACTTCACCAGCA replaced by G on the coding strand, the reverse complement: PKD1 is on the minus strand). VCF-style: chr16-2111047-TGCTGGTGAAGT-C. GRCh37 (hg19) VCF-style: chr16-2161048-TGCTGGTGAAGT-C.
Other names: c.4109_4120delinsG, p.Tyr1370fs (NM_000296.4); c.4109_4120delACTTCACCAGCAinsG, p.Tyr1370Cysfs (NM_001009944.2); short protein forms Y1370fs.
Identifiers: ClinVar variation 1707800 (VCV001707800.2), dbSNP rs2544824840, ClinGen allele CA2580090963.